The following is an entry in ClinVar:

NM_000055.4(BCHE):c.1761T>C (p.Asn587=)

Gene: BCHE (butyrylcholinesterase; minus strand). Cytogenetic location: 3q26.1.
Variant type: single nucleotide variant.
Coding change: c.1761T>C on transcript NM_000055.4 (MANE Select); coding-DNA position 1761, T replaced by C.
Protein change: p.Asn587=; no amino-acid change (asparagine 587 retained).
Molecular consequence: synonymous variant. On other transcripts: non-coding transcript variant (2).
Genome position (GRCh38, 1-based): chr3:165,773,430, A>G on the plus strand (T>C on the coding strand, the complement: BCHE is on the minus strand). VCF-style: chr3-165773430-A-G. GRCh37 (hg19) VCF-style: chr3-165491218-A-G.
Identifiers: ClinVar variation 3389180 (VCV003389180.14).

ClinVar aggregate classification (germline): Uncertain significance (1 of 4 stars; one submission).

gnomAD v4.1: 21 of 1,610,386 alleles (0.0013%); highest among the groups gnomAD compares: Admixed American, 0.0033%; no homozygotes.

Submission:

CeGaT Center for Human Genetics Tuebingen
Classification: Uncertain significance. Last evaluated: 2024-09-01. Review status: criteria provided, single submitter. Criteria: CeGaT Center For Human Genetics Tuebingen Variant Classification Criteria Version 2. Collection method: clinical testing. Allele origin: germline. Affected: yes. Observed: 1 variant allele.
Comment: BCHE: PM2:Supporting, BP4